The following is an entry in ClinVar:

NM_005896.4(IDH1):c.760A>G (p.Met254Val)

Gene: IDH1 (isocitrate dehydrogenase (NADP(+)) 1; minus strand). Cytogenetic location: 2q34.
Variant type: single nucleotide variant.
Coding change: c.760A>G on transcript NM_005896.4 (MANE Select); coding-DNA position 760, A replaced by G.
Protein change: p.Met254Val; replaces methionine 254 with valine.
Molecular consequence: missense variant.
Genome position (GRCh38, 1-based): chr2:208,242,084, T>C on the plus strand (A>G on the coding strand, the complement: IDH1 is on the minus strand). VCF-style: chr2-208242084-T-C. GRCh37 (hg19) VCF-style: chr2-209106808-T-C.
Other names: c.760A>G, p.Met254Val (NM_001282386.1, NM_001282387.1); short protein forms M254V.
Identifiers: ClinVar variation 3225149 (VCV003225149.1), dbSNP rs2469019538, ClinGen allele CA350097792.

ClinVar aggregate classification (germline): Uncertain significance (1 of 4 stars; one submission).

Submission:

Ambry Genetics
Classification: Uncertain significance. Last evaluated: 2024-02-29. Review status: criteria provided, single submitter. Criteria: Ambry Variant Classification Scheme 2023. Collection method: clinical testing. Allele origin: germline.
Comment: The p.M254V variant (also known as c.760A>G), located in coding exon 5 of the IDH1 gene, results from an A to G substitution at nucleotide position 760. The methionine at codon 254 is replaced by valine, an amino acid with highly similar properties. This amino acid position is conserved. In addition, the in silico prediction for this alteration is inconclusive. Based on the available evidence, the clinical significance of this alteration remains unclear.